The following is an entry in ClinVar:

ClinVar aggregate classification (germline): Uncertain significance. Review status: criteria provided, multiple submitters, no conflicts (2 of 4 stars). 5 submissions from 5 submitters: Uncertain significance (5). Last evaluated 2026-06-03.

Conditions:
Hereditary diffuse gastric adenocarcinoma (HDGC). Also called: DIFFUSE GASTRIC AND LOBULAR BREAST CANCER SYNDROME. Identifiers: Orphanet 26106, MedGen C1708349, MONDO:0007648, OMIM 137215.
Hereditary cancer-predisposing syndrome. Also called: Tumor predisposition; Hereditary Cancer Syndrome; Neoplastic Syndromes, Hereditary; Hereditary neoplastic syndrome. Identifiers: Orphanet 140162, MedGen C0027672, MeSH D009386, MONDO:0015356.

Allele frequency attached by ClinVar (database versions not stated): gnomAD exomes 0.00001 and 0.00002; ExAC 0.00002.
gnomAD v4.1: 13 of 1,614,082 alleles (0.00081%); highest among the groups gnomAD compares: South Asian, 0.014%; no homozygotes.

Submissions (5):

Ambry Genetics
Classification: Uncertain significance for Hereditary cancer-predisposing syndrome. Last evaluated: 2026-06-03. Review status: criteria provided, single submitter. Criteria: Ambry Variant Classification Scheme 2023. Collection method: clinical testing. Allele origin: germline.
Comment: The p.Q136K variant (also known as c.406C>A), located in coding exon 4 of the CDH1 gene, results from a C to A substitution at nucleotide position 406. The glutamine at codon 136 is replaced by lysine, an amino acid with similar properties. This amino acid position is poorly conserved in available vertebrate species. In addition, this alteration is predicted to be tolerated by in silico analysis. Based on the available evidence, the clinical significance of this variant remains unclear.

Labcorp Genetics (formerly Invitae), Labcorp
Classification: Uncertain significance for Hereditary diffuse gastric adenocarcinoma. Last evaluated: 2025-08-13. Review status: criteria provided, single submitter. Criteria: Invitae Variant Classification Sherloc (09022015). Collection method: clinical testing. Allele origin: germline.
Comment: This sequence change replaces glutamine, which is neutral and polar, with lysine, which is basic and polar, at codon 136 of the CDH1 protein (p.Gln136Lys). This variant is present in population databases (rs753886948, gnomAD 0.01%). This variant has not been reported in the literature in individuals affected with CDH1-related conditions. ClinVar contains an entry for this variant (Variation ID: 632742). An algorithm developed to predict the effect of missense changes on protein structure and function (PolyPhen-2) suggests that this variant is likely to be tolerated. In summary, the available evidence is currently insufficient to determine the role of this variant in disease. Therefore, it has been classified as a Variant of Uncertain Significance.

GeneDx
Classification: Uncertain significance. Last evaluated: 2024-05-24. Review status: criteria provided, single submitter. Criteria: GeneDx Variant Classification Process June 2021. Collection method: clinical testing. Allele origin: germline. Affected: yes.
Comment: Not observed at significant frequency in large population cohorts (gnomAD); In silico analysis indicates that this missense variant does not alter protein structure/function; Has not been previously published as pathogenic or benign to our knowledge; This variant is associated with the following publications: (PMID: 15235021)

Color Diagnostics, LLC DBA Color Health
Classification: Uncertain significance for Hereditary cancer-predisposing syndrome. Last evaluated: 2023-02-16. Review status: criteria provided, single submitter. Criteria: ACMG Guidelines, 2015. Collection method: clinical testing. Allele origin: germline.
Comment: This missense variant replaces glutamine with lysine at codon 136 of the CDH1 protein. To our knowledge, functional studies have not been reported for this variant. This variant has not been reported in individuals affected with CDH1-related disorders in the literature. This variant has been identified in 4/251378 chromosomes in the general population by the Genome Aggregation Database (gnomAD). The available evidence is insufficient to determine the role of this variant in disease conclusively. Therefore, this variant is classified as a Variant of Uncertain Significance.

Women's Health and Genetics/Laboratory Corporation of America, LabCorp
Classification: Uncertain significance. Last evaluated: 2018-01-22. Review status: criteria provided, single submitter. Criteria: LabCorp Variant Classification Summary - May 2015. Collection method: clinical testing. Allele origin: germline.
Comment: Variant summary: The CDH1 c.406C>A (p.Gln136Lys) variant involves the alteration of a non-conserved nucleotide. 4/4 in silico tools predict a benign outcome for this variant (SNPsandGO not captured due to low reliability index). This variant was found in 4/246152 control chromosomes, predominantly observed in the South Asian subpopulation at a frequency of 0.00013 (4/30782). This frequency is about 5 times the estimated maximal expected allele frequency of a pathogenic CDH1 variant (0.0000283), suggesting this is likely a benign polymorphism found primarily in the populations of South Asian origin. The variant of interest has not, to our knowledge, been reported in affected individuals via publications and/or reputable databases/clinical diagnostic laboratories; nor evaluated for functional impact by in vivo/vitro studies. Because of the absence of clinical information and the lack of functional studies, the variant is classified as a variant of uncertain significance (VUS) until additional information becomes available.

NM_004360.5(CDH1):c.406C>A (p.Gln136Lys)

Gene: CDH1 (cadherin 1; plus strand). Cytogenetic location: 16q22.1.
Variant type: single nucleotide variant.
Coding change: c.406C>A on transcript NM_004360.5 (MANE Select); coding-DNA position 406, C replaced by A.
Protein change: p.Gln136Lys; replaces glutamine 136 with lysine.
Molecular consequence: missense variant. On other transcripts: 5 prime UTR variant (2).
Genome position (GRCh38, 1-based): chr16:68,808,442, C>A. VCF-style: chr16-68808442-C-A. GRCh37 (hg19) VCF-style: chr16-68842345-C-A.
Other names: c.406C>A (LRG_301t1); c.406C>A, p.Gln136Lys (NM_001317184.2); c.-1210C>A (NM_001317185.2); c.-1414C>A (NM_001317186.2); short protein forms Q136K.
Identifiers: ClinVar variation 632742 (VCV000632742.17), dbSNP rs753886948, ClinGen allele CA8129863.